The following is an entry in ClinVar:

ClinVar aggregate classification (germline): Likely pathogenic (0 of 4 stars; one submission).

Conditions:
Dilated cardiomyopathy 1G (CMD1G). Identifiers: Orphanet 154, MedGen C1858763, MONDO:0011400, OMIM 604145.

Submission:

deCODE genetics, Amgen
Classification: Likely pathogenic for Dilated cardiomyopathy 1G. Last evaluated: 2023-07-21. Review status: no assertion criteria provided. Collection method: research. Allele origin: germline. Affected: yes. Observed: 1 variant allele.
Comment: The variant NM_001267550.2:c.89449G>T (chr2:178553556) in TTN was detected in 1 heterozygote out of 58K WGS Icelanders (MAF= 0,001%). This variant has not been reported in ClinVar previously. Based on ACMG criteria (PVS1, PM2) this variant classifies as likely pathogenic.

NM_001267550.2(TTN):c.89449G>T (p.Gly29817Ter)

Genes: TTN-AS1 (TTN antisense RNA 1; plus strand), TTN (titin; minus strand). Cytogenetic location: 2q31.2.
Variant type: single nucleotide variant.
Coding change: c.89449G>T on transcript NM_001267550.2 (MANE Select); coding-DNA position 89449, G replaced by T.
Protein change: p.Gly29817Ter; replaces glycine 29817 with a stop codon.
Molecular consequence: nonsense.
Genome position (GRCh38, 1-based): chr2:178,553,556, C>A on the plus strand (G>T on the coding strand, the complement: TTN is on the minus strand). VCF-style: chr2-178553556-C-A. GRCh37 (hg19) VCF-style: chr2-179418283-C-A.
Other names: c.84526G>T, p.Gly28176Ter (NM_001256850.1); c.62254G>T, p.Gly20752Ter (NM_003319.4); c.81745G>T, p.Gly27249Ter (NM_133378.4); c.62629G>T, p.Gly20877Ter (NM_133432.3); c.62830G>T, p.Gly20944Ter (NM_133437.4); short protein forms G20752*, G20877*, G20944*, G27249*, G28176*, G29817*.
Identifiers: ClinVar variation 2574063 (VCV002574063.1), dbSNP rs963964094, ClinGen allele CA349518545.
Genomic context (GRCh38, chr2:178,553,556, plus strand): 5'-ACATACCAAGTATATCTTTAGCTTGTACAGGTTCATTCATTTCTATAGGTTCTCCTTGTC[C>A]AGCACAGTTTACAGCAGATACCCGGAAGTAGTAATTGACTCCAGGTTTCAGGTTGGATAC-3'